The following is an entry in ClinVar:

NM_020975.6(RET):c.22G>T (p.Ala8Ser)

Genes: RET (ret proto-oncogene; plus strand), LOC106736614 (RET 5' regulatory region; plus strand). Cytogenetic location: 10q11.21.
Variant type: single nucleotide variant.
Coding change: c.22G>T on transcript NM_020975.6 (MANE Select); coding-DNA position 22, G replaced by T.
Protein change: p.Ala8Ser; replaces alanine 8 with serine.
Molecular consequence: missense variant.
Genome position (GRCh38, 1-based): chr10:43,077,280, G>T. VCF-style: chr10-43077280-G-T. GRCh37 (hg19) VCF-style: chr10-43572728-G-T.
Other names: c.22G>T, p.Ala8Ser (NM_000323.2, NM_001406743.1, NM_001406744.1 and 38 more transcripts); short protein forms A8S.
Identifiers: ClinVar variation 842268 (VCV000842268.11), dbSNP rs1476325851, ClinGen allele CA376768038.

ClinVar aggregate classification (germline): Uncertain significance. Review status: criteria provided, multiple submitters, no conflicts (2 of 4 stars). 2 submissions from 2 submitters: Uncertain significance (2). Last evaluated 2022-03-26.

Conditions:
Hereditary cancer-predisposing syndrome. Also called: Hereditary Cancer Syndrome; Hereditary neoplastic syndrome; Tumor predisposition; Neoplastic Syndromes, Hereditary. Identifiers: Orphanet 140162, MedGen C0027672, MeSH D009386, MONDO:0015356.
Multiple endocrine neoplasia, type 2 (MEN2). Identifiers: Orphanet 653, MedGen C4048306, MONDO:0019003. Disease mechanism: gain of function.

Allele frequency attached by ClinVar (database versions not stated): gnomAD exomes below 0.00001.
gnomAD v4.1: 1 of 1,507,468 alleles (0.000066%); highest among the groups gnomAD compares: Non-Finnish European, 0.000088%; no homozygotes.

Submissions (2):

Ambry Genetics
Classification: Uncertain significance for Hereditary cancer-predisposing syndrome. Last evaluated: 2022-03-26. Review status: criteria provided, single submitter. Criteria: Ambry Variant Classification Scheme 2023. Collection method: clinical testing. Allele origin: germline.
Comment: The p.A8S variant (also known as c.22G>T), located in coding exon 1 of the RET gene, results from a G to T substitution at nucleotide position 22. The alanine at codon 8 is replaced by serine, an amino acid with similar properties. This amino acid position is conserved. In addition, the in silico prediction for this alteration is inconclusive. Since supporting evidence is limited at this time, the clinical significance of this alteration remains unclear.

Labcorp Genetics (formerly Invitae), Labcorp
Classification: Uncertain significance for Multiple endocrine neoplasia, type 2. Last evaluated: 2021-10-08. Review status: criteria provided, single submitter. Criteria: Invitae Variant Classification Sherloc (09022015). Collection method: clinical testing. Allele origin: germline.
Comment: The frequency data for this variant in the population databases is considered unreliable, as metrics indicate insufficient coverage at this position in the ExAC database. This sequence change replaces alanine with serine at codon 8 of the RET protein (p.Ala8Ser). The alanine residue is weakly conserved and there is a moderate physicochemical difference between alanine and serine. This variant has not been reported in the literature in individuals affected with RET-related conditions. Algorithms developed to predict the effect of missense changes on protein structure and function (SIFT, PolyPhen-2, Align-GVGD) all suggest that this variant is likely to be tolerated. In summary, the available evidence is currently insufficient to determine the role of this variant in disease. Therefore, it has been classified as a Variant of Uncertain Significance.